The following is an entry in ClinVar:

NM_000268.4(NF2):c.1738-2A>G

Gene: NF2 (NF2, moesin-ezrin-radixin like (MERLIN) tumor suppressor; plus strand). Cytogenetic location: 22q12.2.
Variant type: single nucleotide variant.
Coding change: c.1738-2A>G on transcript NM_000268.4 (MANE Select); the canonical splice acceptor site of the intron before coding-DNA position 1738, A replaced by G.
Molecular consequence: splice acceptor variant.
Genome position (GRCh38, 1-based): chr22:29,694,750, A>G. VCF-style: chr22-29694750-A-G. GRCh37 (hg19) VCF-style: chr22-30090739-A-G.
Other names: c.*10-2A>G (NM_016418.5, NM_001407056.1, NM_001407067.1 and 5 more transcripts); c.1624-2A>G (NM_001407053.1); c.*25-2A>G (NM_181832.3, NM_001407058.1, NM_001407063.1); c.1575-2A>G (NM_001407060.1); c.1603-2A>G (NM_001407057.1); c.448-2A>G (NM_181833.3); c.1615-2A>G (NM_001407054.1); c.1480-2A>G (NM_001407062.1); and 2 more.
Identifiers: ClinVar variation 4661449 (VCV004661449.1).

ClinVar aggregate classification (germline): Uncertain significance (1 of 4 stars; one submission).

Conditions:
Hereditary cancer-predisposing syndrome. Also called: Neoplastic Syndromes, Hereditary; Tumor predisposition; Hereditary Cancer Syndrome; Hereditary neoplastic syndrome. Identifiers: Orphanet 140162, MedGen C0027672, MeSH D009386, MONDO:0015356.

Submission:

Ambry Genetics
Classification: Uncertain significance for Hereditary cancer-predisposing syndrome. Last evaluated: 2025-10-22. Review status: criteria provided, single submitter. Criteria: Ambry Variant Classification Scheme 2023. Collection method: clinical testing. Allele origin: germline.
Comment: The c.1738-2A>G intronic variant results from an A to G substitution two nucleotides upstream from coding exon 16 in the NF2 gene. This nucleotide position is highly conserved in available vertebrate species. In silico splice site analysis predicts that this alteration will weaken the native splice acceptor site; however, direct evidence is insufficient at this time (Ambry internal data). Based on the available evidence, the clinical significance of this variant remains unclear.